The following is an entry in ClinVar:

ClinVar aggregate classification (germline): Likely pathogenic (1 of 4 stars; one submission).

Conditions:
Ichthyosis linearis circumflexa. Identifiers: MedGen C0265962, MONDO:0043106, HP:0025810.

Allele frequency attached by ClinVar (database versions not stated): TOPMed 0.00001; gnomAD 0.00002.
gnomAD v4.1: 6 of 1,594,422 alleles (0.00038%); highest among the groups gnomAD compares: African/African-American, 0.0027%; no homozygotes.

Submission:

Labcorp Genetics (formerly Invitae), Labcorp
Classification: Likely pathogenic for Ichthyosis linearis circumflexa. Last evaluated: 2025-04-23. Review status: criteria provided, single submitter. Criteria: Invitae Variant Classification Sherloc (09022015). Collection method: clinical testing. Allele origin: germline.
Comment: This sequence change affects a donor splice site in intron 28 of the SPINK5 gene. It is expected to disrupt RNA splicing. Variants that disrupt the donor or acceptor splice site typically lead to a loss of protein function (PMID: 16199547), and loss-of-function variants in SPINK5 are known to be pathogenic (PMID: 11511292, 11841556). This variant is present in population databases (no rsID available, gnomAD 0.01%). This variant has not been reported in the literature in individuals affected with SPINK5-related conditions. ClinVar contains an entry for this variant (Variation ID: 2990619). Algorithms developed to predict the effect of sequence changes on RNA splicing suggest that this variant may disrupt the consensus splice site. In summary, the currently available evidence indicates that the variant is pathogenic, but additional data are needed to prove that conclusively. Therefore, this variant has been classified as Likely Pathogenic.

Literature cited by the submitters: PubMed 16199547; PubMed 11511292; PubMed 11841556.

NM_006846.4(SPINK5):c.2739+1G>T

Gene: SPINK5 (serine peptidase inhibitor Kazal type 5; plus strand). Cytogenetic location: 5q32.
Variant type: single nucleotide variant.
Coding change: c.2739+1G>T on transcript NM_006846.4 (MANE Select); the canonical splice donor site of the intron after coding-DNA position 2739, G replaced by T.
Molecular consequence: splice donor variant. On other transcripts: missense variant (1).
Genome position (GRCh38, 1-based): chr5:148,124,838, G>T. VCF-style: chr5-148124838-G-T. GRCh37 (hg19) VCF-style: chr5-147504401-G-T.
Other names: c.2740G>T, p.Val914Phe (NM_001127699.2); c.2739+1G>T (NM_001127698.2); short protein forms V914F.
Identifiers: ClinVar variation 2990619 (VCV002990619.3), dbSNP rs766316221, ClinGen allele CA128940692.